The following is an entry in ClinVar:

ClinVar aggregate classification (germline): Uncertain significance (1 of 4 stars; one submission).

Allele frequency attached by ClinVar (database versions not stated): gnomAD exomes below 0.00001; ExAC 0.00001.
gnomAD v4.1: 2 of 1,543,586 alleles (0.00013%); highest among the groups gnomAD compares: Non-Finnish European, 0.00017%; no homozygotes.

Submission:

Labcorp Genetics (formerly Invitae), Labcorp
Classification: Uncertain significance. Last evaluated: 2022-04-20. Review status: criteria provided, single submitter. Criteria: Invitae Variant Classification Sherloc (09022015). Collection method: clinical testing. Allele origin: germline.
Comment: This sequence change replaces lysine, which is basic and polar, with glutamic acid, which is acidic and polar, at codon 283 of the IFT81 protein (p.Lys283Glu). The frequency data for this variant in the population databases is considered unreliable, as metrics indicate poor data quality at this position in the gnomAD database. This variant has not been reported in the literature in individuals affected with IFT81-related conditions. Algorithms developed to predict the effect of missense changes on protein structure and function are either unavailable or do not agree on the potential impact of this missense change (SIFT: "Deleterious"; PolyPhen-2: "Possibly Damaging"; Align-GVGD: "Class C0"). Algorithms developed to predict the effect of sequence changes on RNA splicing suggest that this variant may create or strengthen a splice site. In summary, the available evidence is currently insufficient to determine the role of this variant in disease. Therefore, it has been classified as a Variant of Uncertain Significance.

NM_014055.4(IFT81):c.847A>G (p.Lys283Glu)

Gene: IFT81 (intraflagellar transport 81; plus strand). Cytogenetic location: 12q24.11.
Variant type: single nucleotide variant.
Coding change: c.847A>G on transcript NM_014055.4 (MANE Select); coding-DNA position 847, A replaced by G.
Protein change: p.Lys283Glu; replaces lysine 283 with glutamic acid.
Molecular consequence: missense variant. On other transcripts: non-coding transcript variant (3), intron variant (2).
Genome position (GRCh38, 1-based): chr12:110,143,447, A>G. VCF-style: chr12-110143447-A-G. GRCh37 (hg19) VCF-style: chr12-110581252-A-G.
Other names: c.847A>G, p.Lys283Glu (NM_001143779.2, NM_001347946.2, NM_031473.4); c.16-3506A>G (NM_001347948.2, NM_001347947.2); short protein forms K283E.
Identifiers: ClinVar variation 1932196 (VCV001932196.2), dbSNP rs780428578, ClinGen allele CA6783201.